The following is an entry in ClinVar:

ClinVar aggregate classification (germline): Uncertain significance (1 of 4 stars; one submission).

Conditions:
Developmental and epileptic encephalopathy 94 (DEE94). Also called: CHD2-Related Neurodevelopmental Disorders; Epileptic encephalopathy, childhood-onset. Identifiers: Orphanet 1942, Orphanet 2382, MedGen C3809278, MONDO:0014150, OMIM 615369.

Allele frequency attached by ClinVar (database versions not stated): gnomAD exomes below 0.00001.
gnomAD v4.1: 1 of 1,614,152 alleles (0.000062%); highest among the groups gnomAD compares: Non-Finnish European, 0.000085%; no homozygotes.

Submission:

Labcorp Genetics (formerly Invitae), Labcorp
Classification: Uncertain significance for Developmental and epileptic encephalopathy 94. Last evaluated: 2024-02-05. Review status: criteria provided, single submitter. Criteria: Invitae Variant Classification Sherloc (09022015). Collection method: clinical testing. Allele origin: germline.
Comment: This sequence change replaces methionine, which is neutral and non-polar, with valine, which is neutral and non-polar, at codon 943 of the CHD2 protein (p.Met943Val). This variant is not present in population databases (gnomAD no frequency). This variant has not been reported in the literature in individuals affected with CHD2-related conditions. Advanced modeling of protein sequence and biophysical properties (such as structural, functional, and spatial information, amino acid conservation, physicochemical variation, residue mobility, and thermodynamic stability) performed at Invitae indicates that this missense variant is not expected to disrupt CHD2 protein function with a negative predictive value of 95%. In summary, the available evidence is currently insufficient to determine the role of this variant in disease. Therefore, it has been classified as a Variant of Uncertain Significance.

NM_001271.4(CHD2):c.2827A>G (p.Met943Val)

Gene: CHD2 (chromodomain helicase DNA binding protein 2; plus strand). Cytogenetic location: 15q26.1.
Variant type: single nucleotide variant.
Coding change: c.2827A>G on transcript NM_001271.4 (MANE Select); coding-DNA position 2827, A replaced by G.
Protein change: p.Met943Val; replaces methionine 943 with valine.
Molecular consequence: missense variant.
Genome position (GRCh38, 1-based): chr15:92,979,234, A>G. VCF-style: chr15-92979234-A-G. GRCh37 (hg19) VCF-style: chr15-93522464-A-G.
Other names: short protein forms M943V.
Identifiers: ClinVar variation 2893036 (VCV002893036.3), dbSNP rs2505545601, ClinGen allele CA393894226.